The following is an entry in ClinVar:

NM_014844.5(TECPR2):c.726A>T (p.Leu242=)

Gene: TECPR2 (tectonin beta-propeller repeat containing 2; plus strand). Cytogenetic location: 14q32.31.
Variant type: single nucleotide variant.
Coding change: c.726A>T on transcript NM_014844.5 (MANE Select); coding-DNA position 726, A replaced by T.
Protein change: p.Leu242=; no amino-acid change (leucine 242 retained).
Molecular consequence: synonymous variant.
Genome position (GRCh38, 1-based): chr14:102,425,066, A>T. VCF-style: chr14-102425066-A-T. GRCh37 (hg19) VCF-style: chr14-102891403-A-T.
Other names: c.726A>T, p.Leu242= (NM_001172631.3).
Identifiers: ClinVar variation 778673 (VCV000778673.13), dbSNP rs748794723, ClinGen allele CA7357515.

ClinVar aggregate classification (germline): Likely benign. Review status: criteria provided, multiple submitters, no conflicts (2 of 4 stars). 3 submissions from 3 submitters: Likely benign (2). 1 of the submissions does not count toward it. Last evaluated 2026-06-01.

Conditions:
Hereditary spastic paraplegia 49 (HSAN9). Also called: NEUROPATHY, HEREDITARY SENSORY AND AUTONOMIC, TYPE IX, WITH DEVELOPMENTAL DELAY; Spastic paraplegia 49, autosomal recessive; TECPR2-Related Hereditary Sensory and Autonomic Neuropathy with Intellectual Disability. Identifiers: Orphanet 320385, MedGen C5190860, MONDO:0014016, OMIM 615031.

Allele frequency attached by ClinVar (database versions not stated): TOPMed 0.00001.
gnomAD v4.1: 7 of 1,613,996 alleles (0.00043%); highest among the groups gnomAD compares: Admixed American, 0.0017%; no homozygotes.

Submissions (3):

CeGaT Center for Human Genetics Tuebingen
Classification: Likely benign. Last evaluated: 2026-06-01. Review status: criteria provided, single submitter. Criteria: CeGaT Center For Human Genetics Tuebingen Variant Classification Criteria Version 2. Collection method: clinical testing. Allele origin: germline. Affected: yes. Observed: 1 variant allele.
Comment: TECPR2: BP4, BP7

Labcorp Genetics (formerly Invitae), Labcorp
Classification: Likely benign for Hereditary spastic paraplegia 49. Last evaluated: 2023-11-21. Review status: criteria provided, single submitter. Criteria: Invitae Variant Classification Sherloc (09022015). Collection method: clinical testing. Allele origin: germline.

Natera, Inc.
Classification: Uncertain significance for Autosomal recessive spastic paraplegia type 49. Last evaluated: 2020-01-24. Review status: no assertion criteria provided. Collection method: clinical testing. Allele origin: germline. Not counted in ClinVar's aggregate classification.